The following is an entry in ClinVar:

NM_001385641.1(SAMD11):c.826C>T (p.Arg276Ter)

Gene: SAMD11 (sterile alpha motif domain containing 11; plus strand). Cytogenetic location: 1p36.33.
Variant type: single nucleotide variant.
Coding change: c.826C>T on transcript NM_001385641.1 (MANE Select); coding-DNA position 826, C replaced by T.
Protein change: p.Arg276Ter; replaces arginine 276 with a stop codon.
Molecular consequence: nonsense.
Genome position (GRCh38, 1-based): chr1:931,073, C>T. VCF-style: chr1-931073-C-T. GRCh37 (hg19) VCF-style: chr1-866453-C-T.
Other names: c.826C>T, p.Arg276Ter (NM_001385640.1); c.289C>T, p.Arg97Ter (NM_152486.4); short protein forms R97*, R276*.
Identifiers: ClinVar variation 1906908 (VCV001906908.5), dbSNP rs781468828, ClinGen allele CA502504.
Genomic context (GRCh38, chr1:931,073, plus strand): 5'-TGGACCTTCTGCTTCCCTTCCTGCAGAGTCCACACCCACTGGGACGTGAACATCTCTTTC[C>T]GAGAGGCGTCCTGCAGGTAGGAGCCGTGCTGTGCGTGCATAAGAGGGGGCCGTGACTCCC-3'

ClinVar aggregate classification (germline): Uncertain significance (1 of 4 stars; one submission).

Allele frequency attached by ClinVar (database versions not stated): ExAC 0.00001; gnomAD 0.00001; TOPMed 0.00001.
gnomAD v4.1: 6 of 1,612,490 alleles (0.00037%); highest among the groups gnomAD compares: Admixed American, 0.0017%; no homozygotes.

Submission:

Labcorp Genetics (formerly Invitae), Labcorp
Classification: Uncertain significance. Last evaluated: 2022-02-19. Review status: criteria provided, single submitter. Criteria: Invitae Variant Classification Sherloc (09022015). Collection method: clinical testing. Allele origin: germline.
Comment: This variant has not been reported in the literature in individuals affected with SAMD11-related conditions. In summary, the available evidence is currently insufficient to determine the role of this variant in disease. Therefore, it has been classified as a Variant of Uncertain Significance. This variant is present in population databases (rs781468828, gnomAD 0.003%). This sequence change creates a premature translational stop signal (p.Arg97*) in the SAMD11 gene. It is expected to result in an absent or disrupted protein product. However, the current clinical and genetic evidence is not sufficient to establish whether loss-of-function variants in SAMD11 cause disease.